The following is an entry in ClinVar:

NM_001375462.1(LPP):c.737C>T (p.Ser246Leu)

Gene: LPP (LIM domain containing preferred translocation partner in lipoma; plus strand). Cytogenetic location: 3q28.
Variant type: single nucleotide variant.
Coding change: c.737C>T on transcript NM_001375462.1 (MANE Select); coding-DNA position 737, C replaced by T.
Protein change: p.Ser246Leu; replaces serine 246 with leucine.
Molecular consequence: missense variant. On other transcripts: non-coding transcript variant (1), intron variant (1).
Genome position (GRCh38, 1-based): chr3:188,609,468, C>T. VCF-style: chr3-188609468-C-T. GRCh37 (hg19) VCF-style: chr3-188327256-C-T.
Other names: c.737C>T, p.Ser246Leu (NM_001167671.3, NM_001375455.1, NM_001375456.1 and 9 more transcripts); c.672+65C>T (NM_001167672.3); c.737C>T (NM_005578.4); short protein forms S246L.
Identifiers: ClinVar variation 1012710 (VCV001012710.39), dbSNP rs146472491, ClinGen allele CA2751257.

ClinVar aggregate classification (germline): Likely benign. Review status: criteria provided, single submitter (1 of 4 stars). 2 submissions from 2 submitters: Likely benign (1). 1 of the submissions does not count toward it. Last evaluated 2023-03-01.

Conditions:
LPP-related disorder. Also called: LPP-related condition.

Allele frequency attached by ClinVar (database versions not stated): 1000 Genomes Project 30x 0.00109; 1000 Genomes Project 0.00140; gnomAD exomes 0.00270 and 0.00408; TOPMed 0.00271; ExAC 0.00272; gnomAD 0.00290 and 0.00296; ESP Exome Variant Server 0.00377.
gnomAD v4.1: 6,357 of 1,614,174 alleles (0.39%); highest among the groups gnomAD compares: Non-Finnish European, 0.48%; 21 homozygotes.

Submissions (2):

CeGaT Center for Human Genetics Tuebingen
Classification: Likely benign. Last evaluated: 2023-03-01. Review status: criteria provided, single submitter. Criteria: CeGaT Center For Human Genetics Tuebingen Variant Classification Criteria Version 2. Collection method: clinical testing. Allele origin: germline. Affected: yes. Observed: 2 variant alleles.
Comment: LPP: BP4

PreventionGenetics, part of Exact Sciences
Classification: Likely benign for LPP-related condition. Last evaluated: 2022-05-09. Review status: no assertion criteria provided. Collection method: clinical testing. Allele origin: germline. Not counted in ClinVar's aggregate classification.
Comment: This variant is classified as likely benign based on ACMG/AMP sequence variant interpretation guidelines (Richards et al. 2015 PMID: 25741868, with internal and published modifications).